The following is an entry in ClinVar:

ClinVar aggregate classification (germline): Uncertain significance (1 of 4 stars; one submission).

Conditions:
TRPC5-related disorder. Also called: TRPC5-related condition.

gnomAD v4.1: 3 of 1,191,416 alleles (0.00025%); highest among the groups gnomAD compares: Non-Finnish European, 0.00034%; no homozygotes.

Submission:

PreventionGenetics, part of Exact Sciences
Classification: Uncertain significance for TRPC5-related condition. Last evaluated: 2026-06-06. Review status: criteria provided, single submitter. Criteria: ACMG Guidelines, 2015. Collection method: clinical testing. Allele origin: germline.
Comment: The TRPC5 c.2891G>A variant is predicted to result in the amino acid substitution p.Gly964Glu. To our knowledge, this variant has not been reported in the literature or in a large population database (gnomAD), indicating this variant is rare. At this time, the clinical significance of this variant is uncertain due to the absence of conclusive functional and genetic evidence.

NM_012471.3(TRPC5):c.2891G>A (p.Gly964Glu)

Gene: TRPC5 (transient receptor potential cation channel subfamily C member 5; minus strand). Cytogenetic location: Xq23.
Variant type: single nucleotide variant.
Coding change: c.2891G>A on transcript NM_012471.3 (MANE Select); coding-DNA position 2891, G replaced by A.
Protein change: p.Gly964Glu; replaces glycine 964 with glutamic acid.
Molecular consequence: missense variant.
Genome position (GRCh38, 1-based): chrX:111,776,344, C>T on the plus strand (G>A on the coding strand, the complement: TRPC5 is on the minus strand). VCF-style: chrX-111776344-C-T. GRCh37 (hg19) VCF-style: chrX-111019572-C-T.
Other names: short protein forms G964E.
Identifiers: ClinVar variation 4988934 (VCV004988934.1).